The following is an entry in ClinVar:

ClinVar aggregate classification (germline): Pathogenic (1 of 4 stars; one submission).

Submission:

Labcorp Genetics (formerly Invitae), Labcorp
Classification: Pathogenic. Last evaluated: 2022-09-13. Review status: criteria provided, single submitter. Criteria: Invitae Variant Classification Sherloc (09022015). Collection method: clinical testing. Allele origin: germline.
Comment: This variant is not present in population databases (gnomAD no frequency). This sequence change creates a premature translational stop signal (p.Ala839Glnfs*3) in the TMPRSS15 gene. It is expected to result in an absent or disrupted protein product. Loss-of-function variants in TMPRSS15 are known to be pathogenic (PMID: 11719902). For these reasons, this variant has been classified as Pathogenic. This variant has not been reported in the literature in individuals affected with TMPRSS15-related conditions.

Literature cited by the submitters: PubMed 11719902.

NM_002772.3(TMPRSS15):c.2514del (p.Ala839fs)

Gene: TMPRSS15 (transmembrane serine protease 15; minus strand). Cytogenetic location: 21q21.1.
Variant type: Deletion.
Coding change: c.2514del on transcript NM_002772.3 (MANE Select); coding-DNA position 2514, one base deleted (A; older notation c.2514delA).
Protein change: p.Ala839fs; shifts the reading frame from alanine 839.
Molecular consequence: frameshift variant.
Genome position (GRCh38, 1-based): chr21:18,281,194, T deleted on the plus strand (A on the coding strand, the reverse complement: TMPRSS15 is on the minus strand). VCF-style (leftmost placement, unchanged base first): chr21-18281193-CT-C. GRCh37 (hg19) VCF-style: chr21-19653510-CT-C.
Other names: short protein forms A839fs.
Identifiers: ClinVar variation 2030242 (VCV002030242.4), dbSNP rs2074694480, ClinGen allele CA2379736709.